The following is an entry in ClinVar:

NM_194248.3(OTOF):c.3571G>T (p.Asp1191Tyr)

Gene: OTOF (otoferlin; minus strand). Cytogenetic location: 2p23.3.
Variant type: single nucleotide variant.
Coding change: c.3571G>T on transcript NM_194248.3 (MANE Select); coding-DNA position 3571, G replaced by T.
Protein change: p.Asp1191Tyr; replaces aspartic acid 1191 with tyrosine.
Molecular consequence: missense variant.
Genome position (GRCh38, 1-based): chr2:26,473,294, C>A on the plus strand (G>T on the coding strand, the complement: OTOF is on the minus strand). VCF-style: chr2-26473294-C-A. GRCh37 (hg19) VCF-style: chr2-26696162-C-A.
Other names: c.3571G>T, p.Asp1191Tyr (NM_001287489.2); c.1330G>T, p.Asp444Tyr (NM_004802.4, NM_194323.3); c.1501G>T, p.Asp501Tyr (NM_194322.3); short protein forms D1191Y, D444Y, D501Y.
Identifiers: ClinVar variation 429250 (VCV000429250.3), dbSNP rs772807679, ClinGen allele CA1563510.

ClinVar aggregate classification (germline): Uncertain significance (1 of 4 stars; one submission).

Allele frequency attached by ClinVar (database versions not stated): gnomAD exomes 0.00001 and 0.00003; ExAC 0.00003; TOPMed 0.00003.
gnomAD v4.1: 8 of 1,613,240 alleles (0.0005%); highest among the groups gnomAD compares: Admixed American, 0.013%; no homozygotes.

Submission:

GeneDx
Classification: Uncertain significance. Last evaluated: 2023-12-19. Review status: criteria provided, single submitter. Criteria: GeneDx Variant Classification Process June 2021. Collection method: clinical testing. Allele origin: germline. Affected: yes.
Comment: In silico analysis supports that this missense variant has a deleterious effect on protein structure/function; Has not been previously published as pathogenic or benign to our knowledge